The following is an entry in ClinVar:

NM_177438.3(DICER1):c.2807A>G (p.Tyr936Cys)

Gene: DICER1 (dicer 1, ribonuclease III; minus strand). Cytogenetic location: 14q32.13.
Variant type: single nucleotide variant.
Coding change: c.2807A>G on transcript NM_177438.3 (MANE Select); coding-DNA position 2807, A replaced by G.
Protein change: p.Tyr936Cys; replaces tyrosine 936 with cysteine.
Molecular consequence: missense variant. On other transcripts: non-coding transcript variant (6).
Genome position (GRCh38, 1-based): chr14:95,106,221, T>C on the plus strand (A>G on the coding strand, the complement: DICER1 is on the minus strand). VCF-style: chr14-95106221-T-C. GRCh37 (hg19) VCF-style: chr14-95572558-T-C.
Other names: c.2807A>G, p.Tyr936Cys (NM_001195573.1, NM_001271282.3, NM_001291628.2 and 12 more transcripts); c.2525A>G, p.Tyr842Cys (NM_001395686.1); c.2402A>G, p.Tyr801Cys (NM_001395687.1, NM_001395688.1, NM_001395689.1 and 2 more transcripts); c.2240A>G, p.Tyr747Cys (NM_001395691.1); c.1124A>G, p.Tyr375Cys (NM_001395697.1); short protein forms Y375C, Y747C, Y801C, Y842C, Y936C.
Identifiers: ClinVar variation 4530094 (VCV004530094.1).

ClinVar aggregate classification (somatic clinical impact): Tier I - Strong (1 of 4 stars; one submission).

Conditions:
Embryonal rhabdomyosarcoma (ERMS). Also called: Botryoid rhabdomyosarcoma (type of ERMS); Spindle cell rhabdomyosarcomas (type of ERMS). Identifiers: Orphanet 99757, MedGen C0206656, MONDO:0009993, HP:0006743.

Submission:

Institute for Genomic Medicine (IGM) Clinical Laboratory, Nationwide Children's Hospital
Classification: Tier I - Strong for Embryonal rhabdomyosarcoma. Assertion type: diagnostic. Clinical significance: supports diagnosis. Last evaluated: 2024-08-19. Review status: criteria provided, single submitter. Criteria: AMP/ASCO/CAP Guidelines, 2017. Collection method: clinical testing. Allele origin: somatic. Affected: yes.
Comment: Variant has Tier I (strong) clinical significance as a diagnostic inclusion criterion in embryonal rhabdomyosarcoma, based on the following evidence: 1) Appears in one or more well-established professional guidelines (e.g., World Health Organization [WHO]; National Comprehensive Cancer Network [NCCN]) as providing diagnostic, prognostic, or therapeutic information. 2) Diagnostic for a specific tumor type/classification based on well-powered studies with expert-level consensus (Evidence Level B; PMIDs: 34166060, 31900434, 26461232, 30266945, 33846547, 33135284).

Literature cited by the submitters: PubMed 34166060; PubMed 31900434; PubMed 26461232; PubMed 30266945; PubMed 33846547; PubMed 33135284.